The following is an entry in ClinVar:

NM_005188.4(CBL):c.2516G>T (p.Ser839Ile)

Gene: CBL (Cbl proto-oncogene; plus strand). Cytogenetic location: 11q23.3.
Variant type: single nucleotide variant.
Coding change: c.2516G>T on transcript NM_005188.4 (MANE Select); coding-DNA position 2516, G replaced by T.
Protein change: p.Ser839Ile; replaces serine 839 with isoleucine.
Molecular consequence: missense variant.
Genome position (GRCh38, 1-based): chr11:119,299,576, G>T. VCF-style: chr11-119299576-G-T. GRCh37 (hg19) VCF-style: chr11-119170286-G-T.
Other names: short protein forms S839I.
Identifiers: ClinVar variation 5033717 (VCV005033717.1).

ClinVar aggregate classification (germline): Uncertain significance (1 of 4 stars; one submission).

Conditions:
Cardiovascular phenotype. Identifiers: MedGen CN230736.

gnomAD v4.1: 1 of 1,614,060 alleles (0.000062%); highest among the groups gnomAD compares: Non-Finnish European, 0.000085%; no homozygotes.

Submission:

Ambry Genetics
Classification: Uncertain significance for Cardiovascular phenotype. Last evaluated: 2026-06-16. Review status: criteria provided, single submitter. Criteria: Ambry Variant Classification Scheme 2023. Collection method: clinical testing. Allele origin: germline.
Comment: The p.S839I variant (also known as c.2516G>T), located in coding exon 16 of the CBL gene, results from a G to T substitution at nucleotide position 2516. The serine at codon 839 is replaced by isoleucine, an amino acid with dissimilar properties. This amino acid position is conserved. In addition, the in silico prediction for this alteration is inconclusive. Based on the available evidence, the clinical significance of this variant remains unclear.